The following is an entry in ClinVar:

ClinVar aggregate classification (germline): Uncertain significance (1 of 4 stars; one submission).

Submission:

Labcorp Genetics (formerly Invitae), Labcorp
Classification: Uncertain significance. Last evaluated: 2025-01-28. Review status: criteria provided, single submitter. Criteria: Invitae Variant Classification Sherloc (09022015). Collection method: clinical testing. Allele origin: germline.
Comment: This sequence change replaces glycine, which is neutral and non-polar, with valine, which is neutral and non-polar, at codon 301 of the IHH protein (p.Gly301Val). This variant is not present in population databases (gnomAD no frequency). This variant has not been reported in the literature in individuals affected with IHH-related conditions. Invitae Evidence Modeling of protein sequence and biophysical properties (such as structural, functional, and spatial information, amino acid conservation, physicochemical variation, residue mobility, and thermodynamic stability) indicates that this missense variant is expected to disrupt IHH protein function with a positive predictive value of 80%. In summary, the available evidence is currently insufficient to determine the role of this variant in disease. Therefore, it has been classified as a Variant of Uncertain Significance.

NM_002181.4(IHH):c.902G>T (p.Gly301Val)

Gene: IHH (Indian hedgehog signaling molecule; minus strand). Cytogenetic location: 2q35.
Variant type: single nucleotide variant.
Coding change: c.902G>T on transcript NM_002181.4 (MANE Select); coding-DNA position 902, G replaced by T.
Protein change: p.Gly301Val; replaces glycine 301 with valine.
Molecular consequence: missense variant.
Genome position (GRCh38, 1-based): chr2:219,055,541, C>A on the plus strand (G>T on the coding strand, the complement: IHH is on the minus strand). VCF-style: chr2-219055541-C-A. GRCh37 (hg19) VCF-style: chr2-219920263-C-A.
Other names: short protein forms G301V.
Identifiers: ClinVar variation 3665940 (VCV003665940.2).